The following is an entry in ClinVar:

NM_144991.3(TSPEAR):c.1256T>C (p.Ile419Thr)

Gene: TSPEAR (thrombospondin type laminin G domain and EAR repeats; minus strand). Cytogenetic location: 21q22.3.
Variant type: single nucleotide variant.
Coding change: c.1256T>C on transcript NM_144991.3 (MANE Select); coding-DNA position 1256, T replaced by C.
Protein change: p.Ile419Thr; replaces isoleucine 419 with threonine.
Molecular consequence: missense variant.
Genome position (GRCh38, 1-based): chr21:44,525,733, A>G on the plus strand (T>C on the coding strand, the complement: TSPEAR is on the minus strand). VCF-style: chr21-44525733-A-G. GRCh37 (hg19) VCF-style: chr21-45945616-A-G.
Other names: c.1052T>C, p.Ile351Thr (NM_001272037.2); short protein forms I351T, I419T.
Identifiers: ClinVar variation 1955601 (VCV001955601.5), dbSNP rs2052842047, ClinGen allele CA410439405.

ClinVar aggregate classification (germline): Uncertain significance (1 of 4 stars; one submission).

Allele frequency attached by ClinVar (database versions not stated): gnomAD 0.00001.
gnomAD v4.1: 8 of 1,613,984 alleles (0.0005%); highest among the groups gnomAD compares: East Asian, 0.0045%; no homozygotes.

Submission:

Labcorp Genetics (formerly Invitae), Labcorp
Classification: Uncertain significance. Last evaluated: 2022-09-01. Review status: criteria provided, single submitter. Criteria: Invitae Variant Classification Sherloc (09022015). Collection method: clinical testing. Allele origin: germline.
Comment: In summary, the available evidence is currently insufficient to determine the role of this variant in disease. Therefore, it has been classified as a Variant of Uncertain Significance. Algorithms developed to predict the effect of missense changes on protein structure and function (SIFT, PolyPhen-2, Align-GVGD) all suggest that this variant is likely to be disruptive. This missense change has been observed in individual(s) with clinical features of ectodermal dysplasia (Invitae). In at least one individual the data is consistent with being in trans (on the opposite chromosome) from a pathogenic variant. This variant is not present in population databases (gnomAD no frequency). This sequence change replaces isoleucine, which is neutral and non-polar, with threonine, which is neutral and polar, at codon 419 of the TSPEAR protein (p.Ile419Thr).